The following is an entry in ClinVar:

NM_000465.4(BARD1):c.1369A>G (p.Lys457Glu)

Gene: BARD1 (BRCA1 associated RING domain 1; minus strand). Cytogenetic location: 2q35.
Variant type: single nucleotide variant.
Coding change: c.1369A>G on transcript NM_000465.4 (MANE Select); coding-DNA position 1369, A replaced by G.
Protein change: p.Lys457Glu; replaces lysine 457 with glutamic acid.
Molecular consequence: missense variant. On other transcripts: non-coding transcript variant (3), intron variant (3).
Genome position (GRCh38, 1-based): chr2:214,769,258, T>C on the plus strand (A>G on the coding strand, the complement: BARD1 is on the minus strand). VCF-style: chr2-214769258-T-C. GRCh37 (hg19) VCF-style: chr2-215633982-T-C.
Other names: c.1312A>G, p.Lys438Glu (NM_001282543.2); c.159-16703A>G (NM_001282548.2); c.216-16703A>G (NM_001282545.2); c.364+23039A>G (NM_001282549.2); short protein forms K457E, K438E.
Identifiers: ClinVar variation 1956291 (VCV001956291.5), dbSNP rs1694360290, ClinGen allele CA350450236.
Genomic context (GRCh38, chr2:214,769,258, plus strand): 5'-ACAGAAAGAATGAGAATAAAAACCAGACAACTACCAATGGTGTCCATCCAGCATGGTCTT[T>C]AACATTTGGATCACTTCCATTTTGTAAAAGGTATTCAACAGAAGGTATGTCGCCCTAGAA-3'
Protein context (NP_000456.2, residues 447-467): LLQNGSDPNV[Lys457Glu]DHAGWTPLHE

ClinVar aggregate classification (germline): Uncertain significance (1 of 4 stars; one submission).

Conditions:
Familial cancer of breast. Also called: hereditary breast carcinoma; BREAST CANCER, FAMILIAL; Hereditary breast cancer. Identifiers: Orphanet 227535, MedGen C0346153, MONDO:0016419, OMIM 114480. Disease mechanism: loss of function.

Allele frequency attached by ClinVar (database versions not stated): TOPMed below 0.00001.

Submission:

Labcorp Genetics (formerly Invitae), Labcorp
Classification: Uncertain significance for Familial cancer of breast. Last evaluated: 2022-02-10. Review status: criteria provided, single submitter. Criteria: Invitae Variant Classification Sherloc (09022015). Collection method: clinical testing. Allele origin: germline.
Comment: This variant has not been reported in the literature in individuals affected with BARD1-related conditions. This sequence change replaces lysine, which is basic and polar, with glutamic acid, which is acidic and polar, at codon 457 of the BARD1 protein (p.Lys457Glu). This variant is not present in population databases (gnomAD no frequency). Algorithms developed to predict the effect of missense changes on protein structure and function (SIFT, PolyPhen-2, Align-GVGD) all suggest that this variant is likely to be disruptive. In summary, the available evidence is currently insufficient to determine the role of this variant in disease. Therefore, it has been classified as a Variant of Uncertain Significance.